The following is an entry in ClinVar:

ClinVar aggregate classification (germline): Likely pathogenic (1 of 4 stars; one submission).

Conditions:
Neurodevelopmental disorder. Identifiers: MedGen C1535926, MeSH D065886, MONDO:0700092.

Submission:

Rady Children's Institute for Genomic Medicine, Rady Children's Hospital San Diego
Classification: Likely pathogenic for Neurodevelopmental Disorder. Last evaluated: 2019-02-01. Review status: criteria provided, single submitter. Criteria: ACMG Guidelines, 2015. Collection method: clinical testing. Allele origin: germline. Affected: yes. Observed: 1 variant allele.
Comment: This variant is predicted to cause a shift in the reading frame resulting in introduction of a premature stop codon in the IRF2BPL polyglutamine tract domain. Both nonsense variants in the polyglutamine tract and downstream frameshifting variants have been reported in affected individuals (PMID: 30057031, 30166628). The c.285_322del (p.Ala102ThrfsTer18) variant has not been previously reported or functionally characterized in the literature to our knowledge. It is absent from the ExAC and gnomAD population databases and thus is presumed to be rare. Analysis of the parental samples was negative for the variant, indicating this variant likely occurred as a de novo event. Based on the available evidence, the c.285_322del (p.Ala102ThrfsTer18) variant is classified as likely pathogenic.

NM_024496.4(IRF2BPL):c.285_322del (p.Ala102fs)

Genes: IRF2BPL (interferon regulatory factor 2 binding protein like; minus strand), LOC107984638 (uncharacterized LOC107984638; plus strand). Cytogenetic location: 14q24.3.
Variant type: Deletion.
Coding change: c.285_322del on transcript NM_024496.4 (MANE Select); coding-DNA positions 285 to 322, 38 bases deleted.
Protein change: p.Ala102fs; shifts the reading frame from alanine 102.
Molecular consequence: frameshift variant.
Genome position (GRCh38, 1-based): chr14:77,027,471-77,027,508, 38 bases deleted; deleting any 38 consecutive bases within chr14:77,027,471-77,027,509 gives the same sequence; the c. name uses the placement nearest the transcript's 3' end. GRCh37 (hg19): chr14:77,493,815-77,493,852.
Other names: short protein forms A102fs.
Identifiers: ClinVar variation 692072 (VCV000692072.1), dbSNP rs1594798157, ClinGen allele CA915946344.